The following is an entry in ClinVar:

ClinVar aggregate classification (germline): Uncertain significance (1 of 4 stars; one submission).

Allele frequency attached by ClinVar (database versions not stated): gnomAD 0.00001.
gnomAD v4.1: 5 of 1,613,660 alleles (0.00031%); highest among the groups gnomAD compares: Non-Finnish European, 0.00042%; no homozygotes.

Submission:

Labcorp Genetics (formerly Invitae), Labcorp
Classification: Uncertain significance. Last evaluated: 2023-04-24. Review status: criteria provided, single submitter. Criteria: Invitae Variant Classification Sherloc (09022015). Collection method: clinical testing. Allele origin: germline.
Comment: This variant has not been reported in the literature in individuals affected with HSPG2-related conditions. This sequence change replaces isoleucine, which is neutral and non-polar, with phenylalanine, which is neutral and non-polar, at codon 2538 of the HSPG2 protein (p.Ile2538Phe). This variant is not present in population databases (gnomAD no frequency). ClinVar contains an entry for this variant (Variation ID: 2189459). An algorithm developed to predict the effect of missense changes on protein structure and function (PolyPhen-2) suggests that this variant is likely to be disruptive. In summary, the available evidence is currently insufficient to determine the role of this variant in disease. Therefore, it has been classified as a Variant of Uncertain Significance.

NM_005529.7(HSPG2):c.7612A>T (p.Ile2538Phe)

Gene: HSPG2 (heparan sulfate proteoglycan 2; minus strand). Cytogenetic location: 1p36.12.
Variant type: single nucleotide variant.
Coding change: c.7612A>T on transcript NM_005529.7 (MANE Select); coding-DNA position 7612, A replaced by T.
Protein change: p.Ile2538Phe; replaces isoleucine 2538 with phenylalanine.
Molecular consequence: missense variant.
Genome position (GRCh38, 1-based): chr1:21,848,768, T>A on the plus strand (A>T on the coding strand, the complement: HSPG2 is on the minus strand). VCF-style: chr1-21848768-T-A. GRCh37 (hg19) VCF-style: chr1-22175261-T-A.
Other names: c.7615A>T, p.Ile2539Phe (NM_001291860.2); short protein forms I2538F, I2539F.
Identifiers: ClinVar variation 2189459 (VCV002189459.4), dbSNP rs1638653436, ClinGen allele CA338923699.
Genomic context (GRCh38, chr1:21,848,768, plus strand): 5'-CAACCAGGCAGTTGAGGTCCAGGGTGTGTCCATTGGCCAGGGAGGCTGAGGAGGACTCGA[T>A]GCGGACGGGGTACGCCACACCCTGGGCTGGGAGGGTGAGATGTAAGGCAGGGTGTGGGAG-3'
Protein context (NP_005520.4, residues 2528-2548): HSQGVAYPVR[Ile2538Phe]ESSSASLANG